The following is an entry in ClinVar:

NM_002528.7(NTHL1):c.284G>A (p.Arg95Lys)

Gene: NTHL1 (nth like DNA glycosylase 1; minus strand). Cytogenetic location: 16p13.3.
Variant type: single nucleotide variant.
Coding change: c.284G>A on transcript NM_002528.7 (MANE Select); coding-DNA position 284, G replaced by A.
Protein change: p.Arg95Lys; replaces arginine 95 with lysine.
Molecular consequence: missense variant. On other transcripts: intron variant (1).
Genome position (GRCh38, 1-based): chr16:2,046,198, C>T on the plus strand (G>A on the coding strand, the complement: NTHL1 is on the minus strand). VCF-style: chr16-2046198-C-T. GRCh37 (hg19) VCF-style: chr16-2096199-C-T.
Other names: c.284G>A, p.Arg95Lys (NM_001318193.2); c.24+82G>A (NM_001318194.2); short protein forms R95K.
Identifiers: ClinVar variation 1350080 (VCV001350080.9), dbSNP rs2084369533, ClinGen allele CA394295695.
Genomic context (GRCh38, chr16:2,046,198, plus strand): 5'-GCACTGGAGTCATAGCAGTGCTCAGTCCCCAGATGGTCCACAGGTGCATCCTTTTTGTTC[C>T]TCATGGCACGGATGTTGACCAGCTGTTGCTGCCAGTCCTGGGGCTCCCAGACTGGCACCT-3'
Protein context (NP_002519.2, residues 85-105): QQQLVNIRAM[Arg95Lys]NKKDAPVDHL

ClinVar aggregate classification (germline): Uncertain significance. Review status: criteria provided, multiple submitters, no conflicts (2 of 4 stars). 2 submissions from 2 submitters: Uncertain significance (2). Last evaluated 2024-11-16.

Conditions:
Hereditary cancer-predisposing syndrome. Also called: Hereditary neoplastic syndrome; Tumor predisposition; Neoplastic Syndromes, Hereditary; Hereditary Cancer Syndrome. Identifiers: Orphanet 140162, MedGen C0027672, MeSH D009386, MONDO:0015356.

Submissions (2):

Ambry Genetics
Classification: Uncertain significance for Hereditary cancer-predisposing syndrome. Last evaluated: 2024-11-16. Review status: criteria provided, single submitter. Criteria: Ambry Variant Classification Scheme 2023. Collection method: clinical testing. Allele origin: germline.
Comment: The p.R103K variant (also known as c.308G>A), located in coding exon 2 of the NTHL1 gene, results from a G to A substitution at nucleotide position 308. The arginine at codon 103 is replaced by lysine, an amino acid with highly similar properties. This amino acid position is well conserved in available vertebrate species. In addition, this alteration is predicted to be deleterious by in silico analysis. Since supporting evidence is limited at this time, the clinical significance of this alteration remains unclear.

Labcorp Genetics (formerly Invitae), Labcorp
Classification: Uncertain significance. Last evaluated: 2021-03-13. Review status: criteria provided, single submitter. Criteria: Invitae Variant Classification Sherloc (09022015). Collection method: clinical testing. Allele origin: germline.
Comment: In summary, the available evidence is currently insufficient to determine the role of this variant in disease. Therefore, it has been classified as a Variant of Uncertain Significance. Algorithms developed to predict the effect of missense changes on protein structure and function are either unavailable or do not agree on the potential impact of this missense change (SIFT: "Not Available"; PolyPhen-2: "Probably Damaging"; Align-GVGD: "Not Available"). This variant has not been reported in the literature in individuals with NTHL1-related conditions. This variant is not present in population databases (ExAC no frequency). This sequence change replaces arginine with lysine at codon 103 of the NTHL1 protein (p.Arg103Lys). The arginine residue is highly conserved and there is a small physicochemical difference between arginine and lysine.